The following is an entry in ClinVar:

ClinVar aggregate classification (germline): Uncertain significance (1 of 4 stars; one submission).

Conditions:
Cardiovascular phenotype. Identifiers: MedGen CN230736.

gnomAD v4.1: 5 of 1,614,024 alleles (0.00031%); highest among the groups gnomAD compares: Non-Finnish European, 0.00034%; no homozygotes.

Submission:

Ambry Genetics
Classification: Uncertain significance for Cardiovascular phenotype. Last evaluated: 2024-11-10. Review status: criteria provided, single submitter. Criteria: Ambry Variant Classification Scheme 2023. Collection method: clinical testing. Allele origin: germline.
Comment: The p.P300S variant (also known as c.898C>T), located in coding exon 7 of the TBX5 gene, results from a C to T substitution at nucleotide position 898. The proline at codon 300 is replaced by serine, an amino acid with similar properties. This amino acid position is conserved. In addition, this alteration is predicted to be tolerated by in silico analysis. Based on the available evidence, the clinical significance of this variant remains unclear.

NM_181486.4(TBX5):c.898C>T (p.Pro300Ser)

Gene: TBX5 (T-box transcription factor 5; minus strand). Cytogenetic location: 12q24.21.
Variant type: single nucleotide variant.
Coding change: c.898C>T on transcript NM_181486.4 (MANE Select); coding-DNA position 898, C replaced by T.
Protein change: p.Pro300Ser; replaces proline 300 with serine.
Molecular consequence: missense variant.
Genome position (GRCh38, 1-based): chr12:114,366,249, G>A on the plus strand (C>T on the coding strand, the complement: TBX5 is on the minus strand). VCF-style: chr12-114366249-G-A. GRCh37 (hg19) VCF-style: chr12-114804054-G-A.
Other names: c.898C>T, p.Pro300Ser (NM_000192.3); c.748C>T, p.Pro250Ser (NM_080717.4); short protein forms P250S, P300S.
Identifiers: ClinVar variation 3453939 (VCV003453939.1).